The following is an entry in ClinVar:

ClinVar aggregate classification (germline): Uncertain significance (1 of 4 stars; one submission).

gnomAD v4.1: 11 of 1,527,994 alleles (0.00072%); highest among the groups gnomAD compares: East Asian, 0.0091%; no homozygotes.

Submission:

Ambry Genetics
Classification: Uncertain significance. Last evaluated: 2025-02-19. Review status: criteria provided, single submitter. Criteria: Ambry Variant Classification Scheme 2023. Collection method: clinical testing. Allele origin: germline.
Comment: The p.A1824V variant (also known as c.5471C>T), located in coding exon 22 of the WNK2 gene, results from a C to T substitution at nucleotide position 5471. The alanine at codon 1824 is replaced by valine, an amino acid with similar properties. This amino acid position is conserved. In addition, this alteration is predicted to be tolerated by in silico analysis. Based on the available evidence, the clinical significance of this variant remains unclear.

NM_006648.4(WNK2):c.5471C>T (p.Ala1824Val)

Gene: WNK2 (WNK lysine deficient protein kinase 2; plus strand). Cytogenetic location: 9q22.31.
Variant type: single nucleotide variant.
Coding change: c.5471C>T on transcript NM_006648.4 (MANE Select); coding-DNA position 5471, C replaced by T.
Protein change: p.Ala1824Val; replaces alanine 1824 with valine.
Molecular consequence: missense variant.
Genome position (GRCh38, 1-based): chr9:93,292,936, C>T. VCF-style: chr9-93292936-C-T. GRCh37 (hg19) VCF-style: chr9-96055218-C-T.
Other names: c.5582C>T, p.Ala1861Val (NM_001282394.3); short protein forms A1861V, A1824V.
Identifiers: ClinVar variation 3817109 (VCV003817109.1).
Genomic context (GRCh38, chr9:93,292,936, plus strand): 5'-CCGTGTCCAGCGACTCTGGGGACGAGGGCCCTCGGGCGAGACCCCCGGTGCAGAAGCAGG[C>T]GTCCCTGCCCGTGAGTGGCAGCGTGGCTGGCGACTTCGTGAAGAAGGCCACCGCCTTCCT-3'
Protein context (NP_006639.3, residues 1814-1834): PRARPPVQKQ[Ala1824Val]SLPVSGSVAG